The following is an entry in ClinVar:

NM_130384.3(ATRIP):c.451C>G (p.Gln151Glu)

Genes: ATRIP (ATR interacting protein; plus strand), ATRIP-TREX1 (ATRIP-TREX1 readthrough; plus strand). Cytogenetic location: 3p21.31.
Variant type: single nucleotide variant.
Coding change: c.451C>G on transcript NM_130384.3 (MANE Select); coding-DNA position 451, C replaced by G.
Protein change: p.Gln151Glu; replaces glutamine 151 with glutamic acid.
Molecular consequence: missense variant. On other transcripts: non-coding transcript variant (1).
Genome position (GRCh38, 1-based): chr3:48,451,798, C>G. VCF-style: chr3-48451798-C-G. GRCh37 (hg19) VCF-style: chr3-48493204-C-G.
Other names: c.70C>G, p.Gln24Glu (NM_001271022.2); c.172C>G, p.Gln58Glu (NM_001271023.2); c.451C>G, p.Gln151Glu (NM_032166.4); short protein forms Q58E, Q151E, Q24E.
Identifiers: ClinVar variation 3976176 (VCV003976176.2).
Genomic context (GRCh38, chr3:48,451,798, plus strand): 5'-ATGGAAGAAGAAGTTCTCATTAAGAATGGAGAAATTAAAATTTTGCGAGACTCACTACAT[C>G]AGACGGAATCCGTTCTAGAGGAACAGAGAAGATCACATTTTCTTCTTGAGCAAGAGAAAA-3'
Protein context (NP_569055.1, residues 141-161): EIKILRDSLH[Gln151Glu]TESVLEEQRR

ClinVar aggregate classification (germline): Uncertain significance. Review status: criteria provided, multiple submitters, no conflicts (2 of 4 stars). 2 submissions from 2 submitters: Uncertain significance (2). Last evaluated 2025-09-09.

gnomAD v4.1: 1 of 1,612,572 alleles (0.000062%); highest among the groups gnomAD compares: Non-Finnish European, 0.000085%; no homozygotes.

Submissions (2):

Labcorp Genetics (formerly Invitae), Labcorp
Classification: Uncertain significance. Last evaluated: 2025-09-09. Review status: criteria provided, single submitter. Criteria: Invitae Variant Classification Sherloc (09022015). Collection method: clinical testing. Allele origin: germline.
Comment: This sequence change replaces glutamine, which is neutral and polar, with glutamic acid, which is acidic and polar, at codon 151 of the ATRIP protein (p.Gln151Glu). This variant is present in population databases (rs753529542, gnomAD 0.0009%). This variant has not been reported in the literature in individuals affected with ATRIP-related conditions. ClinVar contains an entry for this variant (Variation ID: 3976176). An algorithm developed to predict the effect of missense changes on protein structure and function (PolyPhen-2) suggests that this variant is likely to be tolerated. In summary, the available evidence is currently insufficient to determine the role of this variant in disease. Therefore, it has been classified as a Variant of Uncertain Significance.

Ambry Genetics
Classification: Uncertain significance. Last evaluated: 2025-04-17. Review status: criteria provided, single submitter. Criteria: Ambry Variant Classification Scheme 2023. Collection method: clinical testing. Allele origin: germline.
Comment: The p.Q151E variant (also known as c.451C>G), located in coding exon 3 of the ATRIP gene, results from a C to G substitution at nucleotide position 451. The glutamine at codon 151 is replaced by glutamic acid, an amino acid with highly similar properties. This amino acid position is conserved. In addition, this alteration is predicted to be tolerated by in silico analysis. Based on the available evidence, the clinical significance of this variant remains unclear.